The following is an entry in ClinVar:

NC_000002.11:g.(?_74143691)_(74177879_?)del

Genes: ACTG2 (actin gamma 2, smooth muscle; plus strand), DGUOK (deoxyguanosine kinase; plus strand). Cytogenetic location: 2p13.1.
Variant type: Deletion.
Identifiers: ClinVar variation 3247578 (VCV003247578.1).

ClinVar aggregate classification (germline): Pathogenic (1 of 4 stars; one submission).

Submission:

Labcorp Genetics (formerly Invitae), Labcorp
Classification: Pathogenic. Last evaluated: 2023-10-29. Review status: criteria provided, single submitter. Criteria: Invitae Variant Classification Sherloc (09022015). Collection method: clinical testing. Allele origin: unknown.
Comment: This variant is a gross deletion of the genomic region encompassing exon(s) 1-4 of the DGUOK gene, which includes the initiator codon. This deletion extends beyond the assayed region for this gene and therefore may encompass additional genes. It is expected to result in an absent or disrupted protein product. Loss-of-function variants in DGUOK are known to be pathogenic (PMID: 18205204). This variant has not been reported in the literature in individuals affected with DGUOK-related conditions. For these reasons, this variant has been classified as Pathogenic.

Literature cited by the submitters: PubMed 18205204.